The following is an entry in ClinVar:

ClinVar aggregate classification (germline): Uncertain significance (1 of 4 stars; one submission).

gnomAD v4.1: 47 of 1,614,258 alleles (0.0029%); highest among the groups gnomAD compares: Middle Eastern, 0.049%; no homozygotes.

Submission:

Labcorp Genetics (formerly Invitae), Labcorp
Classification: Uncertain significance. Last evaluated: 2024-07-13. Review status: criteria provided, single submitter. Criteria: Invitae Variant Classification Sherloc (09022015). Collection method: clinical testing. Allele origin: germline.
Comment: This sequence change replaces tyrosine, which is neutral and polar, with cysteine, which is neutral and slightly polar, at codon 795 of the SOX6 protein (p.Tyr795Cys). This variant is present in population databases (rs184152923, gnomAD 0.05%), and has an allele count higher than expected for a pathogenic variant. This variant has not been reported in the literature in individuals affected with SOX6-related conditions. Advanced modeling of protein sequence and biophysical properties (such as structural, functional, and spatial information, amino acid conservation, physicochemical variation, residue mobility, and thermodynamic stability) performed at Invitae indicates that this missense variant is not expected to disrupt SOX6 protein function with a negative predictive value of 80%. In summary, the available evidence is currently insufficient to determine the role of this variant in disease. Therefore, it has been classified as a Variant of Uncertain Significance.

NM_001367873.1(SOX6):c.2444A>G (p.Tyr815Cys)

Gene: SOX6 (SRY-box transcription factor 6; minus strand). Cytogenetic location: 11p15.2.
Variant type: single nucleotide variant.
Coding change: c.2444A>G on transcript NM_001367873.1 (MANE Select); coding-DNA position 2444, A replaced by G.
Protein change: p.Tyr815Cys; replaces tyrosine 815 with cysteine.
Molecular consequence: missense variant.
Genome position (GRCh38, 1-based): chr11:15,972,852, T>C on the plus strand (A>G on the coding strand, the complement: SOX6 is on the minus strand). VCF-style: chr11-15972852-T-C. GRCh37 (hg19) VCF-style: chr11-15994398-T-C.
Other names: c.2363A>G, p.Tyr788Cys (NM_001145811.2, NM_017508.3); c.2444A>G, p.Tyr815Cys (NM_001145819.2); c.2321A>G, p.Tyr774Cys (NM_001367872.1); c.2384A>G, p.Tyr795Cys (NM_033326.3); short protein forms Y795C, Y815C, Y774C, Y788C.
Identifiers: ClinVar variation 3632223 (VCV003632223.2).
Genomic context (GRCh38, chr11:15,972,852, plus strand): 5'-CAGCAAACAAAAACTCCTCAGTTGGCACTGACAGCCTCCGGGGCTTCATTTTCACTGCTA[T>C]AGTCTGATTTGGGGTCATCTTCATAGTCATCATACATTTCCATTTCATCCTCTCCATTGA-3'
Protein context (NP_001354802.1, residues 805-825): DDYEDDPKSD[Tyr815Cys]SSENEAPEAV